The following is an entry in ClinVar:

NM_005568.5(LHX1):c.405G>A (p.Thr135=)

Gene: LHX1 (LIM homeobox 1; plus strand). Cytogenetic location: 17q12.
Variant type: single nucleotide variant.
Coding change: c.405G>A on transcript NM_005568.5 (MANE Select); coding-DNA position 405, G replaced by A.
Protein change: p.Thr135=; no amino-acid change (threonine 135 retained).
Molecular consequence: synonymous variant.
Genome position (GRCh38, 1-based): chr17:36,940,617, G>A. VCF-style: chr17-36940617-G-A. GRCh37 (hg19) VCF-style: chr17-35297914-G-A.
Other names: NC_000017.10:g.35297914G>A.
Identifiers: ClinVar variation 3038454 (VCV003038454.3), dbSNP rs111571482, ClinGen allele CA8513684.
Genomic context (GRCh38, chr17:36,940,617, plus strand): 5'-CTGGGGGAGGAAGGCTCGCCAAGGCCCCGGCTCATCTGTCCTTTCCCTCTTAGCCACCAC[G>A]GGCAGTGACCCCAGTTTGTCTCCGGATTCCCAAGACCCGTCGCAGGACGACGCCAAGGAC-3'
Protein context (NP_005559.2, residues 125-145): AKENSLHSAT[Thr135=]GSDPSLSPDS

ClinVar aggregate classification (germline): Benign (0 of 4 stars; one submission).

Conditions:
LHX1-related disorder. Also called: LHX1-related condition.

Allele frequency attached by ClinVar (database versions not stated): ExAC 0.00309; ESP Exome Variant Server 0.00953; 1000 Genomes Project 0.00998; gnomAD 0.01004; 1000 Genomes Project 30x 0.01077; TOPMed 0.01088.
gnomAD v4.1: 3,062 of 1,613,760 alleles (0.19%); highest among the groups gnomAD compares: African/African-American, 3.5%; 47 homozygotes.

Submissions (3):

PreventionGenetics, part of Exact Sciences
Classification: Benign for LHX1-related condition. Last evaluated: 2019-02-21. Review status: no assertion criteria provided. Collection method: clinical testing. Allele origin: germline.
Comment: This variant is classified as benign based on ACMG/AMP sequence variant interpretation guidelines (Richards et al. 2015 PMID: 25741868, with internal and published modifications).

Dr. Peter K. Rogan Lab, Western University
No classification provided (evidence only). Condition: Clear cell carcinoma of kidney. Review status: no classification provided. Collection method: in vitro. Allele origin: not applicable. Functional consequence: retained intron. Not counted in ClinVar's aggregate classification.

Dr. Peter K. Rogan Lab, Western University
No classification provided (evidence only). Condition: Ovarian serous cystadenocarcinoma. Review status: no classification provided. Collection method: in vitro. Allele origin: not applicable. Functional consequence: retained intron. Not counted in ClinVar's aggregate classification.